The following is an entry in ClinVar:

ClinVar aggregate classification (germline): Uncertain significance (1 of 4 stars; one submission).

Conditions:
Congenital myasthenic syndrome 4A. Also called: Myasthenic syndrome, congenital, 4a, slow-channel; MYASTHENIC SYNDROME, CONGENITAL, 4A, SLOW-CHANNEL, AUTOSOMAL RECESSIVE; CONGENITAL MYASTHENIC SYNDROME TYPE Ia1. Identifiers: Orphanet 590, MedGen C4225413, MONDO:0011600, OMIM 605809.

gnomAD v4.1: 51 of 1,613,886 alleles (0.0032%); highest among the groups gnomAD compares: Non-Finnish European, 0.0021%; no homozygotes.

Submission:

Labcorp Genetics (formerly Invitae), Labcorp
Classification: Uncertain significance for Congenital myasthenic syndrome 4A. Last evaluated: 2025-09-05. Review status: criteria provided, single submitter. Criteria: Invitae Variant Classification Sherloc (09022015). Collection method: clinical testing. Allele origin: germline.
Comment: This sequence change replaces proline, which is neutral and non-polar, with leucine, which is neutral and non-polar, at codon 5 of the CHRNE protein (p.Pro5Leu). This variant is present in population databases (rs778780202, gnomAD 0.04%). This variant has not been reported in the literature in individuals affected with CHRNE-related conditions. ClinVar contains an entry for this variant (Variation ID: 3670775). Invitae Evidence Modeling of protein sequence and biophysical properties (such as structural, functional, and spatial information, amino acid conservation, physicochemical variation, residue mobility, and thermodynamic stability) indicates that this missense variant is not expected to disrupt CHRNE protein function with a negative predictive value of 95%. In summary, the available evidence is currently insufficient to determine the role of this variant in disease. Therefore, it has been classified as a Variant of Uncertain Significance.

NM_000080.4(CHRNE):c.14C>T (p.Pro5Leu)

Genes: C17orf107 (chromosome 17 open reading frame 107; plus strand), CHRNE (cholinergic receptor nicotinic epsilon subunit; minus strand). Cytogenetic location: 17p13.2.
Variant type: single nucleotide variant.
Coding change: c.14C>T on transcript NM_000080.4 (MANE Select); coding-DNA position 14, C replaced by T.
Protein change: p.Pro5Leu; replaces proline 5 with leucine.
Molecular consequence: missense variant.
Genome position (GRCh38, 1-based): chr17:4,903,050, G>A on the plus strand (C>T on the coding strand, the complement: CHRNE is on the minus strand). VCF-style: chr17-4903050-G-A. GRCh37 (hg19) VCF-style: chr17-4806345-G-A.
Other names: short protein forms P5L.
Identifiers: ClinVar variation 3670775 (VCV003670775.2).